The following is an entry in ClinVar:

NM_182961.4(SYNE1):c.6957G>A (p.Trp2319Ter)

Gene: SYNE1 (spectrin repeat containing nuclear envelope protein 1; minus strand). Cytogenetic location: 6q25.2.
Variant type: single nucleotide variant.
Coding change: c.6957G>A on transcript NM_182961.4 (MANE Select); coding-DNA position 6957, G replaced by A.
Protein change: p.Trp2319Ter; replaces tryptophan 2319 with a stop codon.
Molecular consequence: nonsense.
Genome position (GRCh38, 1-based): chr6:152,401,210, C>T on the plus strand (G>A on the coding strand, the complement: SYNE1 is on the minus strand). VCF-style: chr6-152401210-C-T. GRCh37 (hg19) VCF-style: chr6-152722345-C-T.
Other names: c.6978G>A, p.Trp2326Ter (NM_033071.5); short protein forms W2319*, W2326*.
Identifiers: ClinVar variation 3571955 (VCV003571955.2).

ClinVar aggregate classification (germline): Pathogenic. Review status: criteria provided, multiple submitters, no conflicts (2 of 4 stars). 2 submissions from 2 submitters: Pathogenic (2). Last evaluated 2024-11-20.

Conditions:
SYNE1-related disorder. Also called: SYNE1-related disorders; SYNE1-related disease; SYNE1-related condition.

gnomAD v4.1: 2 of 1,614,124 alleles (0.00012%); highest among the groups gnomAD compares: Non-Finnish European, 0.000085%; no homozygotes.

Submissions (2):

Athena Diagnostics
Classification: Pathogenic. Last evaluated: 2024-11-20. Review status: criteria provided, single submitter. Criteria: Athena Diagnostics Criteria. Collection method: clinical testing. Allele origin: unknown.
Comment: This variant is expected to result in the loss of a functional protein. This variant has not been reported in large, multi-ethnic general populations. This variant has been identified in at least one individual with clinical features associated with cerebellar ataxia. In some published literature, this variant is referred to as c.6978G>A, p.W2326*.

Blueprint Genetics
Classification: Pathogenic for SYNE1-related disorders. Last evaluated: 2018-08-29. Review status: criteria provided, single submitter. Criteria: ACMG Guidelines, 2015. Collection method: clinical testing. Allele origin: germline. Affected: yes. Observed: 1 variant allele.

Literature cited by the submitters: PubMed 27782104 (cited by Athena Diagnostics); PubMed 27086870 (cited by Athena Diagnostics).